The following is an entry in ClinVar:

ClinVar aggregate classification (germline): Pathogenic (1 of 4 stars; one submission).

Submission:

Labcorp Genetics (formerly Invitae), Labcorp
Classification: Pathogenic. Last evaluated: 2023-10-09. Review status: criteria provided, single submitter. Criteria: Invitae Variant Classification Sherloc (09022015). Collection method: clinical testing. Allele origin: germline.
Comment: This sequence change creates a premature translational stop signal (p.Pro679Glnfs*45) in the COL18A1 gene. It is expected to result in an absent or disrupted protein product. Loss-of-function variants in COL18A1 are known to be pathogenic (PMID: 12415512, 25456301). This variant is not present in population databases (gnomAD no frequency). This variant has not been reported in the literature in individuals affected with COL18A1-related conditions. ClinVar contains an entry for this variant (Variation ID: 1364335). Algorithms developed to predict the effect of sequence changes on RNA splicing suggest that this variant may disrupt the consensus splice site. For these reasons, this variant has been classified as Pathogenic.

Literature cited by the submitters: PubMed 12415512; PubMed 25456301.

NC_000021.9:g.45490838del

Gene: COL18A1 (collagen type XVIII alpha 1 chain; plus strand). Cytogenetic location: 21q22.3.
Variant type: Deletion.
Genome position: GRCh38 VCF-style: chr21-45490834-AG-A. GRCh37 (hg19) VCF-style: chr21-46910748-AG-A.
Identifiers: ClinVar variation 1364335 (VCV001364335.6), dbSNP rs2036312031, ClinGen allele CA2392181258.